The following is an entry in ClinVar:

NM_001267550.2(TTN):c.2180A>G (p.Tyr727Cys)

Gene: TTN (titin; minus strand). Cytogenetic location: 2q31.2.
Variant type: single nucleotide variant.
Coding change: c.2180A>G on transcript NM_001267550.2 (MANE Select); coding-DNA position 2180, A replaced by G.
Protein change: p.Tyr727Cys; replaces tyrosine 727 with cysteine.
Molecular consequence: missense variant.
Genome position (GRCh38, 1-based): chr2:178,786,038, T>C on the plus strand (A>G on the coding strand, the complement: TTN is on the minus strand). VCF-style: chr2-178786038-T-C. GRCh37 (hg19) VCF-style: chr2-179650765-T-C.
Other names: c.2180A>G, p.Tyr727Cys (NM_001256850.1, NM_133378.4, NM_133379.5); c.2042A>G, p.Tyr681Cys (NM_003319.4, NM_133432.3, NM_133437.4); short protein forms Y681C, Y727C.
Identifiers: ClinVar variation 2442849 (VCV002442849.3), dbSNP rs1338615939, ClinGen allele CA349501418.

ClinVar aggregate classification (germline): Conflicting classifications of pathogenicity. Review status: criteria provided, conflicting classifications (1 of 4 stars). 2 submissions from 2 submitters: Uncertain significance (1); Likely benign (1). Last evaluated 2023-06-20.

Conditions:
Cardiomyopathy (CMYO). Also called: Cardiomyopathies. Identifiers: Orphanet 167848, MedGen C0878544, MONDO:0004994, HP:0001638. Inheritance: Various modes of inheritance.

Allele frequency attached by ClinVar (database versions not stated): gnomAD exomes 0.00001.

Submissions (2):

GeneDx
Classification: Uncertain significance. Last evaluated: 2023-06-20. Review status: criteria provided, single submitter. Criteria: GeneDx Variant Classification Process June 2021. Collection method: clinical testing. Allele origin: germline. Affected: yes.
Comment: Not observed at significant frequency in large population cohorts (gnomAD); Missense variant in a gene in which most reported pathogenic variants are truncating/loss of function; Has not been previously published as pathogenic or benign to our knowledge

CHEO Genetics Diagnostic Laboratory, Children's Hospital of Eastern Ontario
Classification: Likely benign for Cardiomyopathy. Last evaluated: 2022-02-24. Review status: criteria provided, single submitter. Criteria: ACMG Guidelines, 2015. Collection method: clinical testing. Allele origin: germline.